The following is an entry in ClinVar:

NM_000059.4(BRCA2):c.2125C>T (p.Leu709=)

Gene: BRCA2 (BRCA2 DNA repair associated; plus strand). Cytogenetic location: 13q13.1.
Variant type: single nucleotide variant.
Coding change: c.2125C>T on transcript NM_000059.4 (MANE Select); coding-DNA position 2125, C replaced by T.
Protein change: p.Leu709=; no amino-acid change (leucine 709 retained).
Molecular consequence: synonymous variant.
Genome position (GRCh38, 1-based): chr13:32,336,480, C>T. VCF-style: chr13-32336480-C-T. GRCh37 (hg19) VCF-style: chr13-32910617-C-T.
Identifiers: ClinVar variation 427441 (VCV000427441.15), dbSNP rs80358489, ClinGen allele CA6940584.

ClinVar aggregate classification (germline): Likely benign. Review status: reviewed by expert panel (3 of 4 stars). 5 submissions from 5 submitters: Likely benign (1). 4 of the submissions do not count toward it. Last evaluated 2017-06-29.

Conditions:
Hereditary cancer-predisposing syndrome. Also called: Hereditary Cancer Syndrome; Tumor predisposition; Hereditary neoplastic syndrome; Neoplastic Syndromes, Hereditary. Identifiers: Orphanet 140162, MedGen C0027672, MeSH D009386, MONDO:0015356.
Breast-ovarian cancer, familial, susceptibility to, 2 (BROVCA2). Also called: BRCA2 Hereditary Breast and Ovarian Cancer. Identifiers: Orphanet 145, MedGen C2675520, MONDO:0012933, OMIM 612555. Disease mechanism: loss of function.
Hereditary breast ovarian cancer syndrome. Also called: Hereditary breast and ovarian cancer syndrome; Hereditary breast and/or ovarian cancer syndrome; Hereditary breast and ovarian cancer syndrome (HBOC); Hereditary breast and ovarian cancer; Breast and ovarian cancer; BRCA1- and BRCA2-Associated Hereditary Breast and Ovarian Cancer. Identifiers: Orphanet 145, MedGen C0677776, MeSH D061325, MONDO:0003582. Disease mechanism: loss of function.

Allele frequency attached by ClinVar (database versions not stated): TOPMed below 0.00001.
gnomAD v4.1: 2 of 1,614,056 alleles (0.00012%); highest among the groups gnomAD compares: Admixed American, 0.0033%; no homozygotes.

Submissions (5):

Evidence-based Network for the Interpretation of Germline Mutant Alleles (ENIGMA)
Classification: Likely benign for Breast-ovarian cancer, familial, susceptibility to, 2. Last evaluated: 2017-06-29. Review status: reviewed by expert panel. Criteria: ENIGMA BRCA1/2 Classification Criteria (2017-06-29). Collection method: curation. Allele origin: germline.
Comment: Synonymous substitution variant, with low bioinformatic likelihood to result in a splicing aberration (Splicing prior probability 0.02).

Ambry Genetics
Classification: Likely benign for Hereditary cancer-predisposing syndrome. Last evaluated: 2026-06-14. Review status: criteria provided, single submitter. Criteria: Ambry Variant Classification Scheme 2023. Collection method: clinical testing. Allele origin: germline. Not counted in ClinVar's aggregate classification.

Labcorp Genetics (formerly Invitae), Labcorp
Classification: Likely benign for Hereditary breast ovarian cancer syndrome. Last evaluated: 2024-08-17. Review status: criteria provided, single submitter. Criteria: Invitae Variant Classification Sherloc (09022015). Collection method: clinical testing. Allele origin: germline. Not counted in ClinVar's aggregate classification.

Quest Diagnostics Nichols Institute San Juan Capistrano
Classification: Likely benign. Last evaluated: 2019-12-03. Review status: criteria provided, single submitter. Criteria: Quest Diagnostics criteria. Collection method: clinical testing. Allele origin: unknown. Not counted in ClinVar's aggregate classification.

Color Diagnostics, LLC DBA Color Health
Classification: Likely benign for Hereditary cancer-predisposing syndrome. Last evaluated: 2019-11-25. Review status: criteria provided, single submitter. Criteria: ACMG Guidelines, 2015. Collection method: clinical testing. Allele origin: germline. Not counted in ClinVar's aggregate classification.